The following is an entry in ClinVar:

ClinVar aggregate classification (germline): Likely pathogenic (1 of 4 stars; one submission).

Conditions:
alpha Thalassemia. Also called: Alpha thalassemia spectrum. Identifiers: Orphanet 846, MedGen C0002312, MONDO:0011399, OMIM 604131.

Submission:

Natera, Inc.
Classification: Likely pathogenic for Alpha thalassemia. Last evaluated: 2025-09-19. Review status: criteria provided, single submitter. Criteria: Natera Variant Classification Schema (03/2026). Collection method: clinical testing. Allele origin: germline.
Comment: The c.212dup variant in HBA2 is a frameshift variant predicted to elongate the protein beyond the termination codon. This variant is expected to result in nonsense mediated decay, truncation, or a dysfunctional protein product. This variant is rare in the general population with a frequency below the threshold expected for the associated phenotype(s). Given the available evidence, this variant is classified as Likely Pathogenic.

NM_000517.6(HBA2):c.212dup (p.Ala72fs)

Genes: HBA2 (hemoglobin subunit alpha 2; plus strand), LOC106804612 (hemoglobin subunit alpha 2 recombination region; plus strand). Cytogenetic location: 16p13.3.
Variant type: Duplication.
Coding change: c.212dup on transcript NM_000517.6 (MANE Select); coding-DNA position 212, one base duplicated (T; older notation c.212dupT).
Protein change: p.Ala72fs; shifts the reading frame from alanine 72.
Molecular consequence: frameshift variant.
Genome position (GRCh38, 1-based): chr16:173,241, T duplicated. VCF-style (leftmost placement, unchanged base first): chr16-173240-G-GT. GRCh37 (hg19) VCF-style: chr16-223239-G-GT.
Other names: short protein forms A72fs.
Identifiers: ClinVar variation 4818646 (VCV004818646.1).
Genomic context (GRCh38, chr16:173,240, plus strand): 5'-CACGGCTCTGCCCAGGTTAAGGGCCACGGCAAGAAGGTGGCCGACGCGCTGACCAACGCC[G>GT]TGGCGCACGTGGACGACATGCCCAACGCGCTGTCCGCCCTGAGCGACCTGCACGCGCACA-3'